The following is an entry in ClinVar:

ClinVar aggregate classification (germline): Conflicting classifications of pathogenicity. Review status: criteria provided, conflicting classifications (1 of 4 stars). 2 submissions from 2 submitters: Uncertain significance (1); Likely benign (1). Last evaluated 2024-12-30.

Conditions:
Tatton-Brown-Rahman overgrowth syndrome. Also called: Tatton-Brown-Rahman syndrome; Tall stature-intellectual disability-facial dysmorphism syndrome. Identifiers: Orphanet 404443, MedGen C4014545, MONDO:0014382, OMIM 615879.
Inborn genetic diseases. Identifiers: MedGen C0950123, MeSH D030342.

gnomAD v4.1: 2 of 1,614,206 alleles (0.00012%); highest among the groups gnomAD compares: East Asian, 0.0022%; no homozygotes.

Submissions (2):

Labcorp Genetics (formerly Invitae), Labcorp
Classification: Uncertain significance for Tatton-Brown-Rahman overgrowth syndrome. Last evaluated: 2024-12-30. Review status: criteria provided, single submitter. Criteria: Invitae Variant Classification Sherloc (09022015). Collection method: clinical testing. Allele origin: germline.
Comment: This sequence change affects codon 724 of the DNMT3A mRNA. It is a 'silent' change, meaning that it does not change the encoded amino acid sequence of the DNMT3A protein. It affects a nucleotide within the consensus splice site. This variant is present in population databases (rs559412770, gnomAD 0.003%). This variant has not been reported in the literature in individuals affected with DNMT3A-related conditions. Algorithms developed to predict the effect of sequence changes on RNA splicing suggest that this variant is not likely to affect RNA splicing. In summary, the available evidence is currently insufficient to determine the role of this variant in disease. Therefore, it has been classified as a Variant of Uncertain Significance.

Ambry Genetics
Classification: Likely benign for Inborn genetic diseases. Last evaluated: 2024-12-20. Review status: criteria provided, single submitter. Criteria: Ambry Variant Classification Scheme 2023. Collection method: clinical testing. Allele origin: germline.

NM_022552.5(DNMT3A):c.2172C>T (p.Tyr724=)

Gene: DNMT3A (DNA methyltransferase 3 alpha; minus strand). Cytogenetic location: 2p23.3.
Variant type: single nucleotide variant.
Coding change: c.2172C>T on transcript NM_022552.5 (MANE Select); coding-DNA position 2172, C replaced by T.
Protein change: p.Tyr724=; no amino-acid change (tyrosine 724 retained).
Molecular consequence: synonymous variant. On other transcripts: non-coding transcript variant (1).
Genome position (GRCh38, 1-based): chr2:25,240,641, G>A on the plus strand (C>T on the coding strand, the complement: DNMT3A is on the minus strand). VCF-style: chr2-25240641-G-A. GRCh37 (hg19) VCF-style: chr2-25463510-G-A.
Other names: c.2172C>T (NM_022552.3); c.1716C>T, p.Tyr572= (NM_001320893.1); c.1503C>T, p.Tyr501= (NM_001375819.1); c.1605C>T, p.Tyr535= (NM_153759.3); c.2172C>T, p.Tyr724= (NM_175629.2).
Identifiers: ClinVar variation 3699338 (VCV003699338.3).